The following is an entry in ClinVar:

ClinVar aggregate classification (germline): Uncertain significance. Review status: criteria provided, multiple submitters, no conflicts (2 of 4 stars). 2 submissions from 2 submitters: Uncertain significance (2). Last evaluated 2022-03-05.

Conditions:
Rhabdoid tumor predisposition syndrome 2 (RTPS2). Identifiers: Orphanet 231108, Orphanet 69077, MedGen C2750074, MONDO:0013224, OMIM 613325.
Hereditary cancer-predisposing syndrome. Also called: Hereditary neoplastic syndrome; Neoplastic Syndromes, Hereditary; Tumor predisposition; Hereditary Cancer Syndrome. Identifiers: Orphanet 140162, MedGen C0027672, MeSH D009386, MONDO:0015356.

Allele frequency attached by ClinVar (database versions not stated): gnomAD exomes below 0.00001.
gnomAD v4.1: 6 of 1,613,742 alleles (0.00037%); highest among the groups gnomAD compares: East Asian, 0.0022%; no homozygotes.

Submissions (2):

Labcorp Genetics (formerly Invitae), Labcorp
Classification: Uncertain significance for Rhabdoid tumor predisposition syndrome 2. Last evaluated: 2022-03-05. Review status: criteria provided, single submitter. Criteria: Invitae Variant Classification Sherloc (09022015). Collection method: clinical testing. Allele origin: germline.
Comment: ClinVar contains an entry for this variant (Variation ID: 939226). Algorithms developed to predict the effect of missense changes on protein structure and function are either unavailable or do not agree on the potential impact of this missense change (SIFT: "Deleterious"; PolyPhen-2: "Benign"; Align-GVGD: "Class C15"). In summary, the available evidence is currently insufficient to determine the role of this variant in disease. Therefore, it has been classified as a Variant of Uncertain Significance. This variant has not been reported in the literature in individuals affected with SMARCA4-related conditions. This sequence change replaces glycine, which is neutral and non-polar, with valine, which is neutral and non-polar, at codon 156 of the SMARCA4 protein (p.Gly156Val). This variant is not present in population databases (gnomAD no frequency).

Ambry Genetics
Classification: Uncertain significance for Hereditary cancer-predisposing syndrome. Last evaluated: 2019-03-13. Review status: criteria provided, single submitter. Criteria: Ambry Variant Classification Scheme 2023. Collection method: clinical testing. Allele origin: germline.
Comment: The p.G156V variant (also known as c.467G>T), located in coding exon 3 of the SMARCA4 gene, results from a G to T substitution at nucleotide position 467. The glycine at codon 156 is replaced by valine, an amino acid with dissimilar properties. This amino acid position is well conserved in available vertebrate species. In addition, this alteration is predicted to be tolerated by in silico analysis. Since supporting evidence is limited at this time, the clinical significance of this alteration remains unclear.

NM_003072.5(SMARCA4):c.467G>T (p.Gly156Val)

Gene: SMARCA4 (SWI/SNF related BAF chromatin remodeling complex subunit ATPase 4; plus strand). Cytogenetic location: 19p13.2.
Variant type: single nucleotide variant.
Coding change: c.467G>T on transcript NM_003072.5 (MANE Select); coding-DNA position 467, G replaced by T.
Protein change: p.Gly156Val; replaces glycine 156 with valine.
Molecular consequence: missense variant. On other transcripts: non-coding transcript variant (1).
Genome position (GRCh38, 1-based): chr19:10,986,300, G>T. VCF-style: chr19-10986300-G-T. GRCh37 (hg19) VCF-style: chr19-11096976-G-T.
Other names: c.467G>T, p.Gly156Val (NM_001128844.3, NM_001128845.2, NM_001128846.2 and 4 more transcripts); short protein forms G156V.
Identifiers: ClinVar variation 939226 (VCV000939226.12), dbSNP rs1555753146, ClinGen allele CA404056048.